The following is an entry in ClinVar:

NM_004006.3(DMD):c.5530C>T (p.Arg1844Ter)

Gene: DMD (dystrophin; minus strand). Cytogenetic location: Xp21.1.
Variant type: single nucleotide variant.
Coding change: c.5530C>T on transcript NM_004006.3 (MANE Select); coding-DNA position 5530, C replaced by T.
Protein change: p.Arg1844Ter; replaces arginine 1844 with a stop codon.
Molecular consequence: nonsense.
Genome position (GRCh38, 1-based): chrX:32,345,999, G>A on the plus strand (C>T on the coding strand, the complement: DMD is on the minus strand). VCF-style: chrX-32345999-G-A. GRCh37 (hg19) VCF-style: chrX-32364116-G-A.
Other names: NP_003997.1:p.Arg1844*; c.5506C>T, p.Arg1836Ter (NM_000109.4); c.5518C>T, p.Arg1840Ter (NM_004009.3); c.5161C>T, p.Arg1721Ter (NM_004010.3); c.1507C>T, p.Arg503Ter (NM_004011.4); c.1498C>T, p.Arg500Ter (NM_004012.4); short protein forms R1844*, R1721*, R1840*, R503*, R1836*, R500*.
Identifiers: ClinVar variation 94669 (VCV000094669.28), dbSNP rs1064325, ClinGen allele CA267064.

ClinVar aggregate classification (germline): Pathogenic. Review status: criteria provided, multiple submitters, no conflicts (2 of 4 stars). 13 submissions from 13 submitters: Pathogenic (12). 1 of the submissions does not count toward it. Last evaluated 2025-02-11.

Conditions:
Becker muscular dystrophy, Cardiomyopathy, Duchenne muscular dystrophy, Dystrophin deficiency.
DMD-related disorder. Also called: DMD-related condition.
Duchenne muscular dystrophy (DMD). Also called: Duchenne Muscular Dystrophy (DMD); MUSCULAR DYSTROPHY, PSEUDOHYPERTROPHIC PROGRESSIVE, DUCHENNE TYPE. Identifiers: Orphanet 98896, MedGen C0013264, MONDO:0010679, OMIM 310200.
Dilated cardiomyopathy 3B (CMD3B). Also called: CMD3B: DMD-Related Dilated Cardiomyopathy; CARDIOMYOPATHY, DILATED, X-LINKED; DMD-Associated Dilated Cardiomyopathy. Identifiers: Orphanet 154, MedGen C3668940, MONDO:0010542, OMIM 302045.
Becker muscular dystrophy (BMD). Also called: MUSCULAR DYSTROPHY, PSEUDOHYPERTROPHIC PROGRESSIVE, BECKER TYPE; Becker Muscular Dystrophy (BMD). Identifiers: Orphanet 98895, MedGen C0917713, MONDO:0010311, OMIM 300376.

Submissions (14):

GeneDx
Classification: Pathogenic. Last evaluated: 2025-02-11. Review status: criteria provided, single submitter. Criteria: GeneDx Variant Classification Process June 2021. Collection method: clinical testing. Allele origin: germline. Affected: yes.
Comment: Not observed at significant frequency in large population cohorts (gnomAD); Nonsense variant predicted to result in protein truncation or nonsense mediated decay in a gene for which loss of function is a known mechanism of disease; Based on the understanding of this genetic alteration, it may be amenable to nonsense read-through therapy that is currently available or in clinical trial; This variant is associated with the following publications: (PMID: 24878229, 26968818, 19959795, 25525159, 14695533, 15643612)

Natera, Inc.
Classification: Pathogenic for Becker muscular dystrophy, Cardiomyopathy, Duchenne muscular dystrophy, Dystrophin deficiency. Last evaluated: 2024-10-14. Review status: criteria provided, single submitter. Criteria: Natera Variant Classification Schema (03/2026). Collection method: clinical testing. Allele origin: germline.
Comment: The c.5530C>T variant in DMD is a nonsense variant predicted to introduce a stop codon at amino acid 1844. This variant is expected to result in nonsense mediated decay, truncation, or a dysfunctional protein product. This variant is rare in the general population with a frequency below the threshold expected for the associated phenotype(s). This variant has been observed in affected individual(s) with monoallelic occurrence (heterozygous/hemizygous) (PMID: 23536893). Given the available evidence, this variant is classified as Pathogenic.

Blueprint Genetics
Classification: Pathogenic for DMD-related disorders. Last evaluated: 2024-06-05. Review status: criteria provided, single submitter. Criteria: ACMG Guidelines, 2015. Collection method: clinical testing. Allele origin: germline. Affected: yes. Observed: 2 variant alleles.

Revvity Omics, Revvity
Classification: Pathogenic. Last evaluated: 2024-03-21. Review status: criteria provided, single submitter. Criteria: ACMG Guidelines, 2015. Collection method: clinical testing. Allele origin: germline.

Labcorp Genetics (formerly Invitae), Labcorp
Classification: Pathogenic for Duchenne muscular dystrophy. Last evaluated: 2023-01-12. Review status: criteria provided, single submitter. Criteria: Invitae Variant Classification Sherloc (09022015). Collection method: clinical testing. Allele origin: germline.
Comment: For these reasons, this variant has been classified as Pathogenic. ClinVar contains an entry for this variant (Variation ID: 94669). This premature translational stop signal has been observed in individual(s) with Duchenne muscular dystrophy (PMID: 14695533, 16770791, 21396098, 23536893). In at least one individual the variant was observed to be de novo. This variant is not present in population databases (gnomAD no frequency). This sequence change creates a premature translational stop signal (p.Arg1844*) in the DMD gene. It is expected to result in an absent or disrupted protein product. Loss-of-function variants in DMD are known to be pathogenic (PMID: 16770791, 25007885).

Athena Diagnostics
Classification: Pathogenic. Last evaluated: 2022-12-27. Review status: criteria provided, single submitter. Criteria: Athena Diagnostics Criteria. Collection method: clinical testing. Allele origin: unknown.
Comment: This variant is expected to result in the loss of a functional protein. This variant has been identified in individuals with clinical features of DMD including an apparent de novo case. This variant has not been reported in large, multi-ethnic general populations.

Laboratory of Medical Genetics, National & Kapodistrian University of Athens
Classification: Pathogenic for Duchenne muscular dystrophy. Last evaluated: 2022-12-16. Review status: criteria provided, single submitter. Criteria: ACMG Guidelines, 2015. Collection method: clinical testing. Allele origin: germline. Affected: yes.
Comment: PVS1, PM2, PP5

Foundation for Research in Genetics and Endocrinology, FRIGE's Institute of Human Genetics
Classification: Pathogenic for Duchenne muscular dystrophy. Last evaluated: 2020-04-23. Review status: criteria provided, single submitter. Criteria: ACMG Guidelines, 2015. Collection method: clinical testing. Allele origin: germline. Inheritance: X-linked recessive inheritance. Affected: yes. Observed: 1 hemizygote.
Comment: A hemizygous nonsense variation in exon 39 of the DMD gene that results in a stop codon and premature truncation of the protein at codon 1844 was detected. The observed variant c.5530C>T (p.Arg1844Ter) has not been reported in the 1000 genomes and ExAC databases. The variant has previously been reported in a patient affected with Duchenne muscular dystrophy (Hofstra et al. 2004). The in silico prediction of the variant is damaging by MutationTaster2. The reference codon is conserved across species. In summary, the variant meets our criteria to be classified as pathogenic.

Eurofins Ntd Llc (ga)
Classification: Pathogenic. Last evaluated: 2016-11-28. Review status: criteria provided, single submitter. Criteria: EGL Classification Definitions 2015. Collection method: clinical testing. Allele origin: germline. Observed: 4 variant alleles, 3 heterozygotes, 1 hemizygote.

Stanford Center for Inherited Cardiovascular Disease, Stanford University
Classification: Pathogenic. Last evaluated: 2016-07-11. Review status: criteria provided, single submitter. Criteria: ACMG Guidelines, 2015. Collection method: provider interpretation. Allele origin: germline.

Juno Genomics, Hangzhou Juno Genomics, Inc
Classification: Pathogenic for Becker muscular dystrophy; Dilated cardiomyopathy 3B; Duchenne muscular dystrophy. Review status: criteria provided, single submitter. Criteria: ACMG Guidelines, 2015. Collection method: clinical testing. Allele origin: germline. Affected: yes.
Comment: Absent from controls (or at extremely low frequency if recessive) in Genome Aggregation Database, Exome Sequencing Project, 1000 Genomes Project, or Exome Aggregation Consortium.;Null variant in a gene where loss of function (LOF) is a known mechanism of disease.;The prevalence of the variant in affected individuals is significantly increased compared to the prevalence in controls.;Patient's phenotype or family history is highly specific for a disease with a single genetic etiology.

Neuberg Centre For Genomic Medicine, NCGM
Classification: Pathogenic for Duchenne muscular dystrophy. Review status: criteria provided, single submitter. Criteria: ACMG Guidelines, 2015. Collection method: clinical testing. Allele origin: germline. Inheritance: X-linked inheritance. Affected: yes.
Comment: The stop gained variant c.5530C>T (p.Arg1844Ter) in DMD gene has been reported previously in patients affected with Duchenne muscular dystrophy (Magri et al., 2011; Juan-Mateu et al., 2013) and has also been shown to have arisen de novo in an additional individual with Duchenne muscular dystrophy (Hofstra et al., 2004). The variant is novel (not in any individuals) in gnomAD Exomes and 1000 Genomes. This variant has been reported to the ClinVar database as Pathogenic. The nucleotide change in DMD is predicted as conserved by GERP++ and PhyloP across 100 vertebrates. This variant is predicted to cause loss of normal protein function through protein truncation. Loss of function variants have been previously reported to be disease causing. For these reasons, this variant has been classified as Pathogenic.

Science and Education Division, Hunan Jiahui Genetics Hospital
Classification: Pathogenic for Duchenne muscular dystrophy. Last evaluated: 2026-11-08. Review status: no assertion criteria provided. Collection method: research. Allele origin: maternal, unknown. Inheritance: X-linked recessive inheritance. Affected: yes. Observed: 2 variant alleles, 2 hemizygotes. Not counted in ClinVar's aggregate classification.

Dr. Peter K. Rogan Lab, Western University
No classification provided (evidence only). Condition: Colorectal cancer. Review status: no classification provided. Collection method: in vitro. Allele origin: not applicable. Functional consequence: retained intron. Not counted in ClinVar's aggregate classification.

Literature cited by the submitters: PubMed 23536893 (cited by 3 submitters); PubMed 14695533 (cited by 3 submitters); PubMed 16770791 (cited by Labcorp Genetics (formerly Invitae), Labcorp); PubMed 21396098 (cited by Labcorp Genetics (formerly Invitae), Labcorp and Athena Diagnostics); PubMed 25007885 (cited by Labcorp Genetics (formerly Invitae), Labcorp); PubMed 26968818 (cited by Athena Diagnostics); PubMed 19959795 (cited by Athena Diagnostics); PubMed 33101180 (cited by Laboratory of Medical Genetics, National & Kapodistrian University of Athens); PubMed 32194622 (cited by Laboratory of Medical Genetics, National & Kapodistrian University of Athens).